The following is an entry in ClinVar:

ClinVar aggregate classification (germline): Benign. Review status: criteria provided, multiple submitters, no conflicts (2 of 4 stars). 3 submissions from 3 submitters: Benign (3). Last evaluated 2026-02-02.

Conditions:
Isolated focal non-epidermolytic palmoplantar keratoderma. Also called: Palmoplantar keratoderma, nonepidermolytic, focal 2. Identifiers: Orphanet 448264, MedGen C4225339, MONDO:0014622, OMIM 616400.

Allele frequency attached by ClinVar (database versions not stated): gnomAD exomes 0.01529; ExAC 0.01891; gnomAD 0.05881 and 0.06287; ESP Exome Variant Server 0.06628; TOPMed 0.06663; 1000 Genomes Project 0.06809; 1000 Genomes Project 30x 0.07245.
gnomAD v4.1: 17,584 of 1,614,096 alleles (1.1%); highest among the groups gnomAD compares: African/African-American, 20%; 1,628 homozygotes.

Submissions (3):

Labcorp Genetics (formerly Invitae), Labcorp
Classification: Benign. Last evaluated: 2026-02-02. Review status: criteria provided, single submitter. Criteria: Invitae Variant Classification Sherloc (09022015). Collection method: clinical testing. Allele origin: germline.

Illumina Laboratory Services, Illumina
Classification: Benign for Isolated focal non-epidermolytic palmoplantar keratoderma. Last evaluated: 2018-01-13. Review status: criteria provided, single submitter. Criteria: ICSL Variant Classification Criteria 13 December 2019. Collection method: clinical testing. Allele origin: germline.
Comment: This variant was observed in the ICSL laboratory as part of a predisposition screen in an ostensibly healthy population. It had not been previously curated by ICSL or reported in the Human Gene Mutation Database (HGMD: prior to June 1st, 2018), and was therefore a candidate for classification through an automated scoring system. Utilizing variant allele frequency, disease prevalence and penetrance estimates, and inheritance mode, an automated score was calculated to assess if this variant is too frequent to cause the disease. Based on the score and internal cut-off values, a variant classified as benign is not then subjected to further curation. The score for this variant resulted in a classification of benign for this disease.

Breakthrough Genomics
Classification: Benign. Review status: criteria provided, single submitter. Criteria: ACMG Guidelines, 2015. Collection method: not provided. Allele origin: germline. Inheritance: Autosomal dominant inheritance. Affected: yes.

NM_145068.4(TRPV3):c.394G>A (p.Val132Met)

Gene: TRPV3 (transient receptor potential cation channel subfamily V member 3; minus strand). Cytogenetic location: 17p13.2.
Variant type: single nucleotide variant.
Coding change: c.394G>A on transcript NM_145068.4 (MANE Select); coding-DNA position 394, G replaced by A.
Protein change: p.Val132Met; replaces valine 132 with methionine.
Molecular consequence: missense variant.
Genome position (GRCh38, 1-based): chr17:3,543,546, C>T on the plus strand (G>A on the coding strand, the complement: TRPV3 is on the minus strand). VCF-style: chr17-3543546-C-T. GRCh37 (hg19) VCF-style: chr17-3446840-C-T.
Other names: c.394G>A, p.Val132Met (NM_001258205.2); short protein forms V132M.
Identifiers: ClinVar variation 322793 (VCV000322793.13), dbSNP rs8066242, ClinGen allele CA8289865.